The following is an entry in ClinVar:

ClinVar aggregate classification (germline): Pathogenic/Likely pathogenic. Review status: criteria provided, multiple submitters, no conflicts (2 of 4 stars). 2 submissions from 2 submitters: Pathogenic (1); Likely pathogenic (1). Last evaluated 2024-12-06.

Submissions (2):

GeneDx
Classification: Pathogenic. Last evaluated: 2024-12-06. Review status: criteria provided, single submitter. Criteria: GeneDx Variant Classification Process June 2021. Collection method: clinical testing. Allele origin: germline. Affected: yes.
Comment: Frameshift variant predicted to result in protein truncation or nonsense mediated decay in a gene for which loss of function is a known mechanism of disease; Not observed at significant frequency in large population cohorts (gnomAD); Has not been previously published as pathogenic or benign to our knowledge

Revvity Omics, Revvity
Classification: Likely pathogenic. Last evaluated: 2022-07-13. Review status: criteria provided, single submitter. Criteria: ACMG Guidelines, 2015. Collection method: clinical testing. Allele origin: germline.

NM_005215.4(DCC):c.437_440del (p.Thr146fs)

Gene: DCC (DCC netrin 1 receptor; plus strand). Cytogenetic location: 18q21.2.
Variant type: Microsatellite.
Coding change: c.437_440del on transcript NM_005215.4 (MANE Select); coding-DNA positions 437 to 440, 4 bases deleted (CAGA; older notation c.437_440delCAGA).
Protein change: p.Thr146fs; shifts the reading frame from threonine 146.
Molecular consequence: frameshift variant.
Genome position (GRCh38, 1-based): chr18:52,906,068-52,906,071, CAGA deleted; deleting any 4 consecutive bases within chr18:52,906,063-52,906,071 gives the same sequence; the c. name uses the placement nearest the transcript's 3' end. VCF-style (leftmost placement, unchanged base first): chr18-52906062-CACAG-C. GRCh37 (hg19) VCF-style: chr18-50432432-CACAG-C.
Other names: c.437_440del (NM_005215.3); short protein forms T146fs.
Identifiers: ClinVar variation 2439657 (VCV002439657.5), dbSNP rs2039877071, ClinGen allele CA990396985.
Genomic context (GRCh38, chr18:52,906,062, plus strand): 5'-TTATTTGGAAGACTTATTCTTCCTTCTTTGTTTTTCTCCTAGGACCACTGAGGTTCCTTT[CACAG>C]ACAGAATCTGTCACAGCCTTCATGGGAGACACAGTGCTACTCAAGTGTGAAGTCATTGGG-3'